The following continues an entry in ClinVar:

NM_000059.4(BRCA2):c.7010C>T (p.Thr2337Ile)

Gene: BRCA2. ClinVar aggregate classification (germline): Uncertain significance. Uncertain significance (10).

Submissions 6 to 16 of 16:

All of Us Research Program, National Institutes of Health
Classification: Uncertain significance for BRCA2-related cancer predisposition. Last evaluated: 2024-05-14. Review status: criteria provided, single submitter. Criteria: ACMG Guidelines, 2015. Collection method: clinical testing. Allele origin: germline. Inheritance: Autosomal dominant inheritance. Observed: 8 variant alleles, 8 heterozygotes.
Comment: This missense variant replaces threonine with isoleucine at codon 2337 of the BRCA2 protein. Computational prediction suggests that this variant may not impact protein structure and function (internally defined REVEL score threshold <= 0.5, PMID: 27666373). A functional study has shown that this variant does not impact cell viability or drug sensitivity in Brca2-deficient mouse embryonic stem cells (PMID: 37922907). This variant has been detected in individuals with personal and/or family history of breast and/or ovarian cancer (PMID: 15800311, 16683254, 27376475, 32885271) and in a breast cancer case-control meta-analysis in 5/60463 cases and 1/53461 unaffected individuals (PMID: 33471991; Leiden Open Variation Database DB-ID BRCA2_001509). This variant also has been detected in unaffected individuals (PMID: 24448499; FLOSSIES database). A multifactorial analysis has reported co-occurrence and family history likelihood ratios for pathogenicity of 1.1293 and 0.5103, respectively (PMID: 31131967). This variant has been identified in 7/281770 chromosomes in the general population by the Genome Aggregation Database (gnomAD). The available evidence is insufficient to determine the role of this variant in disease conclusively. Therefore, this variant is classified as a Variant of Uncertain Significance.

This study involves interpretation of variants in research participants for the purpose of population health screening. Participant phenotype was not available at the time of variant classification. Additional details can be found in publication PMID: 35346344, PMCID: PMC8962531

Baylor Genetics
Classification: Uncertain significance for Familial cancer of breast. Last evaluated: 2024-02-27. Review status: criteria provided, single submitter. Criteria: ACMG Guidelines, 2015. Collection method: clinical testing. Allele origin: unknown.

Color Diagnostics, LLC DBA Color Health
Classification: Uncertain significance for Hereditary cancer-predisposing syndrome. Last evaluated: 2024-01-02. Review status: criteria provided, single submitter. Criteria: ACMG Guidelines, 2015. Collection method: clinical testing. Allele origin: germline.
Comment: This missense variant replaces threonine with isoleucine at codon 2337 of the BRCA2 protein. Computational prediction suggests that this variant may not impact protein structure and function (internally defined REVEL score threshold <= 0.5, PMID: 27666373). A functional study has shown that this variant does not impact cell viability or drug sensitivity in Brca2-deficient mouse embryonic stem cells (PMID: 37922907). This variant has been detected in individuals with personal and/or family history of breast and/or ovarian cancer (PMID: 15800311, 16683254, 27376475, 32885271) and in a breast cancer case-control meta-analysis in 5/60463 cases and 1/53461 unaffected individuals (PMID: 33471991; Leiden Open Variation Database DB-ID BRCA2_001509). This variant also has been detected in unaffected individuals (PMID: 24448499; FLOSSIES database). A multifactorial analysis has reported co-occurrence and family history likelihood ratios for pathogenicity of 1.1293 and 0.5103, respectively (PMID: 31131967). This variant has been identified in 7/281770 chromosomes in the general population by the Genome Aggregation Database (gnomAD). The available evidence is insufficient to determine the role of this variant in disease conclusively. Therefore, this variant is classified as a Variant of Uncertain Significance.

GeneDx
Classification: Uncertain significance. Last evaluated: 2022-01-03. Review status: criteria provided, single submitter. Criteria: GeneDx Variant Classification Process June 2021. Collection method: clinical testing. Allele origin: germline. Affected: yes.
Comment: In silico analysis supports that this missense variant does not alter protein structure/function; Also known as 7238C>T; Observed in individuals with a personal and/or family history of breast and/or ovarian cancer (Gomez-Garcia 2005, van der Hout 2006); This variant is associated with the following publications: (PMID: 31131967, 16683254, 15800311, 27376475)

Genetics and Molecular Pathology, SA Pathology
Classification: Uncertain significance for Breast-ovarian cancer, familial, susceptibility to, 2. Last evaluated: 2020-12-13. Review status: criteria provided, single submitter. Criteria: ACMG Guidelines, 2015. Collection method: clinical testing. Allele origin: germline. Affected: yes.

Integrative Tumor Epidemiology Branch, National Institutes of Health
Classification: Uncertain significance for Chordoma. Last evaluated: 2021-03-22. Review status: no assertion criteria provided. Collection method: research. Allele origin: germline. Affected: yes. Observed: 1 variant allele. Not counted in ClinVar's aggregate classification.
Comment: No impact on ES cell survival or drug sensitivity (no impact on BRCA2 function)

Breast Cancer Information Core (BIC) (BRCA2)
Classification: Uncertain significance for Breast-ovarian cancer, familial 2. Last evaluated: 2002-05-29. Review status: no assertion criteria provided. Collection method: clinical testing. Allele origin: germline. Affected: yes. Observed: 2 variant alleles. Not counted in ClinVar's aggregate classification.

Clinical Genetics Laboratory, Department of Pathology, Netherlands Cancer Institute
Classification: Likely benign. Review status: no assertion criteria provided. Collection method: clinical testing. Allele origin: germline. Affected: yes. Study: VKGL Data-share Consensus. Not counted in ClinVar's aggregate classification.

Department of Pathology and Laboratory Medicine, Sinai Health System
Classification: Uncertain significance for Malignant tumor of breast. Review status: no assertion criteria provided. Collection method: clinical testing. Allele origin: unknown. Affected: yes. Study: The Canadian Open Genetics Repository (COGR). Not counted in ClinVar's aggregate classification.
Comment: The BRCA2 p.Thr2337Ile variant was identified in 2 of 1666 proband chromosomes (frequency: 0.001) from Dutch and Canadian individuals or families with breast or ovarian cancer (van der Hout 2006, Schenkel 2016). The variant was identified in dbSNP (ID: rs80358927) as â€šÃ„ÃºWith other alleleâ€šÃ„Ã¹, ClinVar (classified as uncertain significance by Invitae, Ambry Genetics, GeneDx and 3 other submitters; and as likely benign by Diagnostic Laboratory University Medical Center Groningen), and LOVD 3.0. The variant was not identified in UMD-LSDB. The variant was identified in control databases in 6 of 277036 chromosomes at a frequency of 0.00002 (Genome Aggregation Database Feb 27, 2017), and was observed in the following populations: Other in 1 of 6458 chromosomes (freq: 0.0002) and European Non-Finnish in 5 of 126590 chromosomes (freq: 0.00004); it was not observed in the African, Latino, Ashkenazi Jewish, East Asian, European Finnish, or South Asian populations. The p.Thr2337 residue is not conserved in mammals and four out of five computational analyses (PolyPhen-2, SIFT, AlignGVGD, BLOSUM, MutationTaster) do not suggest a high likelihood the variant Ile impacts the protein; however, this information is not predictive enough to rule out pathogenicity. The p.Thr2337Ile variant occurs in third base of the exon, outside of the splicing consensus sequence, and computational prediction software programs (SpliceSiteFinder, MaxEntScan, NNSPLICE, GeneSplicer) do not predict a significant difference in splicing. In summary, based on the above information, the clinical significance of this variant cannot be determined with certainty at this time. This variant is classified as a variant of uncertain significance.

Diagnostic Laboratory, Department of Genetics, University Medical Center Groningen
Classification: Likely benign for Breast-ovarian cancer, familial, susceptibility to, 2. Review status: no assertion criteria provided. Collection method: clinical testing. Allele origin: germline. Affected: yes. Study: VKGL Data-share Consensus. Not counted in ClinVar's aggregate classification.

Joint Genome Diagnostic Labs from Nijmegen and Maastricht, Radboudumc and MUMC+
Classification: Likely benign. Review status: no assertion criteria provided. Collection method: clinical testing. Allele origin: germline. Affected: yes. Study: VKGL Data-share Consensus. Not counted in ClinVar's aggregate classification.

Literature cited by the submitters: PubMed 10923033 (cited by Labcorp Genetics (formerly Invitae), Labcorp); PubMed 15800311 (cited by 6 submitters); PubMed 16683254 (cited by 6 submitters); PubMed 27376475 (cited by 5 submitters); PubMed 35762214 (cited by Labcorp Genetics (formerly Invitae), Labcorp and Quest Diagnostics Nichols Institute San Juan Capistrano); PubMed 37922907 (cited by 5 submitters); PubMed 24448499 (cited by 3 submitters); PubMed 31131967 (cited by 3 submitters); PubMed 32885271 (cited by 4 submitters); PubMed 34326862 (cited by Quest Diagnostics Nichols Institute San Juan Capistrano); PubMed 35585550 (cited by Quest Diagnostics Nichols Institute San Juan Capistrano); PubMed 39402389 (cited by Quest Diagnostics Nichols Institute San Juan Capistrano); PubMed 33471991 (cited by 3 submitters); PubMed 31911673 (cited by Quest Diagnostics Nichols Institute San Juan Capistrano).